The following is an entry in ClinVar:

ClinVar aggregate classification (germline): Likely benign. Review status: criteria provided, single submitter (1 of 4 stars). 2 submissions from 2 submitters: Likely benign (1). 1 of the submissions does not count toward it. Last evaluated 2025-08-06.

Conditions:
DLC1-related disorder. Also called: DLC1-related condition.

Allele frequency attached by ClinVar (database versions not stated): gnomAD exomes 0.00007; TOPMed 0.00012; gnomAD 0.00019; ExAC 0.00042; 1000 Genomes Project 30x 0.00172; 1000 Genomes Project 0.00200.
gnomAD v4.1: 130 of 1,614,048 alleles (0.0081%); highest among the groups gnomAD compares: East Asian, 0.27%; no homozygotes.

Submissions (2):

Labcorp Genetics (formerly Invitae), Labcorp
Classification: Likely benign. Last evaluated: 2025-08-06. Review status: criteria provided, single submitter. Criteria: Invitae Variant Classification Sherloc (09022015). Collection method: clinical testing. Allele origin: germline.

PreventionGenetics, part of Exact Sciences
Classification: Likely benign for DLC1-related condition. Last evaluated: 2023-11-10. Review status: no assertion criteria provided. Collection method: clinical testing. Allele origin: germline. Not counted in ClinVar's aggregate classification.
Comment: This variant is classified as likely benign based on ACMG/AMP sequence variant interpretation guidelines (Richards et al. 2015 PMID: 25741868, with internal and published modifications).

NM_182643.3(DLC1):c.1664T>C (p.Val555Ala)

Gene: DLC1 (DLC1 Rho GTPase activating protein; minus strand). Cytogenetic location: 8p22.
Variant type: single nucleotide variant.
Coding change: c.1664T>C on transcript NM_182643.3 (MANE Select); coding-DNA position 1664, T replaced by C.
Protein change: p.Val555Ala; replaces valine 555 with alanine.
Molecular consequence: missense variant.
Genome position (GRCh38, 1-based): chr8:13,100,673, A>G on the plus strand (T>C on the coding strand, the complement: DLC1 is on the minus strand). VCF-style: chr8-13100673-A-G. GRCh37 (hg19) VCF-style: chr8-12958182-A-G.
Other names: c.131T>C, p.Val44Ala (NM_001164271.2, NM_001348082.2, NM_001348083.1 and 6 more transcripts); c.455T>C, p.Val152Ala (NM_001316668.2, NM_001413129.1); c.1664T>C, p.Val555Ala (NM_001348081.2, NM_001413124.1); c.446T>C, p.Val149Ala (NM_001413130.1); c.104T>C, p.Val35Ala (NM_001413131.1, NM_001413137.1); c.590T>C, p.Val197Ala (NM_001413132.1); c.353T>C, p.Val118Ala (NM_001413135.1, NM_001413136.1, NM_001413139.1 and 1 more transcripts); c.488T>C, p.Val163Ala (NM_001413140.1); and 1 more; short protein forms V118A, V555A, V152A, V163A, V197A, V44A, V149A, V35A.
Identifiers: ClinVar variation 2067728 (VCV002067728.6), dbSNP rs538334326, ClinGen allele CA4638851.